The following is an entry in ClinVar:

ClinVar aggregate classification (germline): Uncertain significance (1 of 4 stars; one submission).

Conditions:
CHARGE syndrome (CHARGE). Also called: Hittner Hirsch Kreh syndrome; CHARGE ASSOCIATION--COLOBOMA, HEART ANOMALY, CHOANAL ATRESIA, RETARDATION, GENITAL AND EAR ANOMALIES; Coloboma, heart anomaly, choanal atresia, retardation, genital and ear anomalies; CHARGE association; Hall-Hittner syndrome. Identifiers: Orphanet 138, MedGen C0265354, MONDO:0008965.

Submission:

Labcorp Genetics (formerly Invitae), Labcorp
Classification: Uncertain significance for CHARGE syndrome. Last evaluated: 2024-02-18. Review status: criteria provided, single submitter. Criteria: Invitae Variant Classification Sherloc (09022015). Collection method: clinical testing. Allele origin: germline.
Comment: This sequence change replaces alanine, which is neutral and non-polar, with aspartic acid, which is acidic and polar, at codon 2261 of the CHD7 protein (p.Ala2261Asp). This variant is not present in population databases (gnomAD no frequency). This variant has not been reported in the literature in individuals affected with CHD7-related conditions. Advanced modeling of protein sequence and biophysical properties (such as structural, functional, and spatial information, amino acid conservation, physicochemical variation, residue mobility, and thermodynamic stability) performed at Invitae indicates that this missense variant is not expected to disrupt CHD7 protein function with a negative predictive value of 95%. In summary, the available evidence is currently insufficient to determine the role of this variant in disease. Therefore, it has been classified as a Variant of Uncertain Significance.

NM_017780.4(CHD7):c.6782C>A (p.Ala2261Asp)

Gene: CHD7 (chromodomain helicase DNA binding protein 7; plus strand). Cytogenetic location: 8q12.2.
Variant type: single nucleotide variant.
Coding change: c.6782C>A on transcript NM_017780.4 (MANE Select); coding-DNA position 6782, C replaced by A.
Protein change: p.Ala2261Asp; replaces alanine 2261 with aspartic acid.
Molecular consequence: missense variant. On other transcripts: intron variant (1).
Genome position (GRCh38, 1-based): chr8:60,854,369, C>A. VCF-style: chr8-60854369-C-A. GRCh37 (hg19) VCF-style: chr8-61766928-C-A.
Other names: c.1717-7860C>A (NM_001316690.1); short protein forms A2261D.
Identifiers: ClinVar variation 3637094 (VCV003637094.2).
Genomic context (GRCh38, chr8:60,854,369, plus strand): 5'-TTCAGTTTCCCTGATACTGTGGTTGTGAGTAATGCACATTAACTCATTTCTCAGCAGGAG[C>A]TGTCTCTAGAGGGAAGAATTTTGATGAAGAAAGCAATGCTTCCATGAGCACTGCTAGAGA-3'
Protein context (NP_060250.2, residues 2251-2271): SEESSQPEAG[Ala2261Asp]VSRGKNFDEE